The following is an entry in ClinVar:

ClinVar aggregate classification (germline): Uncertain significance (1 of 4 stars; one submission).

Conditions:
Nemaline myopathy 2 (NEM2). Also called: Nemaline myopathy 2, autosomal recessive. Identifiers: MedGen C1850569, MONDO:0009725, OMIM 256030.

Submission:

Labcorp Genetics (formerly Invitae), Labcorp
Classification: Uncertain significance for Nemaline myopathy 2. Last evaluated: 2021-08-09. Review status: criteria provided, single submitter. Criteria: Invitae Variant Classification Sherloc (09022015). Collection method: clinical testing. Allele origin: germline.
Comment: This sequence change replaces methionine with lysine at codon 5968 of the NEB protein (p.Met5968Lys). The methionine residue is moderately conserved and there is a moderate physicochemical difference between methionine and lysine. This variant is not present in population databases (ExAC no frequency). This variant has not been reported in the literature in individuals affected with NEB-related conditions. Algorithms developed to predict the effect of missense changes on protein structure and function are either unavailable or do not agree on the potential impact of this missense change (SIFT: "Deleterious"; PolyPhen-2: "Not Available"; Align-GVGD: "Class C0"). Algorithms developed to predict the effect of sequence changes on RNA splicing suggest that this variant may create or strengthen a splice site. In summary, the available evidence is currently insufficient to determine the role of this variant in disease. Therefore, it has been classified as a Variant of Uncertain Significance.

NM_001164508.2(NEB):c.17903T>A (p.Met5968Lys)

Gene: NEB (nebulin; minus strand). Cytogenetic location: 2q23.3.
Variant type: single nucleotide variant.
Coding change: c.17903T>A on transcript NM_001164508.2 (MANE Select); coding-DNA position 17903, T replaced by A.
Protein change: p.Met5968Lys; replaces methionine 5968 with lysine.
Molecular consequence: missense variant.
Genome position (GRCh38, 1-based): chr2:151,567,421, A>T on the plus strand (T>A on the coding strand, the complement: NEB is on the minus strand). VCF-style: chr2-151567421-A-T. GRCh37 (hg19) VCF-style: chr2-152423935-A-T.
Other names: c.17903T>A, p.Met5968Lys (NM_001164507.2, NM_001271208.2); c.12800T>A, p.Met4267Lys (NM_004543.5); short protein forms M4267K, M5968K.
Identifiers: ClinVar variation 1964449 (VCV001964449.2), dbSNP rs1438832105, ClinGen allele CA348803950.